The following is an entry in ClinVar:

ClinVar aggregate classification (germline): Pathogenic (1 of 4 stars; one submission).

Conditions:
Fabry disease. Also called: Fabry's disease; ALPHA-GALACTOSIDASE A DEFICIENCY; ANDERSON-FABRY DISEASE; CERAMIDE TRIHEXOSIDASE DEFICIENCY; GLA DEFICIENCY; HEREDITARY DYSTOPIC LIPIDOSIS. Identifiers: Orphanet 324, MedGen C0002986, MONDO:0010526, OMIM 301500, HP:0001071. Disease mechanism: Fabry disease is due to inactivating mutations in the X-linked GLA gene resulting in deficiency of the enzyme Alpha Galactosidase-A., loss of function.

Submission:

Labcorp Genetics (formerly Invitae), Labcorp
Classification: Pathogenic for Fabry disease. Last evaluated: 2025-10-05. Review status: criteria provided, single submitter. Criteria: Invitae Variant Classification Sherloc (09022015). Collection method: clinical testing. Allele origin: germline.
Comment: This sequence change creates a premature translational stop signal (p.Gln386Serfs*7) in the GLA gene. While this is not anticipated to result in nonsense mediated decay, it is expected to disrupt the last 44 amino acid(s) of the GLA protein. This variant is not present in population databases (gnomAD no frequency). This variant has not been reported in the literature in individuals affected with GLA-related conditions. This variant disrupts a region of the GLA protein in which other variant(s) (p.Thr412Ile) have been determined to be pathogenic (internal data). This suggests that this is a clinically significant region of the protein, and that variants that disrupt it are likely to be disease-causing. For these reasons, this variant has been classified as Pathogenic.

NM_000169.3(GLA):c.1151_1155dup (p.Gln386fs)

Genes: RPL36A-HNRNPH2 (RPL36A-HNRNPH2 readthrough; plus strand), GLA (galactosidase alpha; minus strand). Cytogenetic location: Xq22.1.
Variant type: Duplication.
Coding change: c.1151_1155dup on transcript NM_000169.3 (MANE Select); coding-DNA positions 1151 to 1155, 5 bases duplicated (TCACA; older notation c.1151_1155dupTCACA).
Protein change: p.Gln386fs; shifts the reading frame from glutamine 386.
Molecular consequence: frameshift variant. On other transcripts: non-coding transcript variant (3), intron variant (2).
Genome position (GRCh38, 1-based): chrX:101,397,944-101,397,948, TGTGA duplicated on the plus strand (TCACA on the coding strand, the reverse complement: GLA is on the minus strand); duplicating any 5 consecutive bases within chrX:101,397,944-101,397,950 gives the same sequence; the c. name uses the placement nearest the transcript's 3' end. VCF-style (leftmost placement, unchanged base first): chrX-101397943-G-GTGTGA. GRCh37 (hg19) VCF-style: chrX-100652931-G-GTGTGA.
Other names: c.1274_1278dup, p.Gln427fs (NM_001406747.1); c.300+2489_300+2493dup (NM_001199973.2); c.177+6124_177+6128dup (NM_001199974.2); short protein forms Q386fs, Q427fs.
Identifiers: ClinVar variation 4728477 (VCV004728477.1).